The following is an entry in ClinVar:

ClinVar aggregate classification (germline): Benign. Review status: criteria provided, multiple submitters, no conflicts (2 of 4 stars). 4 submissions from 4 submitters: Benign (3). 1 of the submissions does not count toward it. Last evaluated 2024-10-01.

Conditions:
NCOR1-related disorder. Also called: NCOR1-related condition.

Allele frequency attached by ClinVar (database versions not stated): 1000 Genomes Project 0.00220; 1000 Genomes Project 30x 0.00250; TOPMed 0.00647; gnomAD 0.00664 and 0.00688; gnomAD exomes 0.00667 and 0.01025; ExAC 0.00737; ESP Exome Variant Server 0.00884.
gnomAD v4.1: 15,825 of 1,611,402 alleles (0.98%); highest among the groups gnomAD compares: Non-Finnish European, 1.2%; 96 homozygotes.

Submissions (4):

CeGaT Center for Human Genetics Tuebingen
Classification: Benign. Last evaluated: 2024-10-01. Review status: criteria provided, single submitter. Criteria: CeGaT Center For Human Genetics Tuebingen Variant Classification Criteria Version 2. Collection method: clinical testing. Allele origin: germline. Affected: yes. Observed: 2 variant alleles.
Comment: NCOR1: BS1, BS2

Labcorp Genetics (formerly Invitae), Labcorp
Classification: Benign. Last evaluated: 2018-12-26. Review status: criteria provided, single submitter. Criteria: Invitae Variant Classification Sherloc (09022015). Collection method: clinical testing. Allele origin: germline.

Breakthrough Genomics
Classification: Benign. Review status: criteria provided, single submitter. Criteria: ACMG Guidelines, 2015. Collection method: not provided. Allele origin: germline. Inheritance: Unknown mechanism. Affected: yes.

PreventionGenetics, part of Exact Sciences
Classification: Benign for NCOR1-related condition. Last evaluated: 2019-09-25. Review status: no assertion criteria provided. Collection method: clinical testing. Allele origin: germline. Not counted in ClinVar's aggregate classification.
Comment: This variant is classified as benign based on ACMG/AMP sequence variant interpretation guidelines (Richards et al. 2015 PMID: 25741868, with internal and published modifications).

NM_006311.4(NCOR1):c.6544G>A (p.Ala2182Thr)

Gene: NCOR1 (nuclear receptor corepressor 1; minus strand). Cytogenetic location: 17p12.
Variant type: single nucleotide variant.
Coding change: c.6544G>A on transcript NM_006311.4 (MANE Select); coding-DNA position 6544, G replaced by A.
Protein change: p.Ala2182Thr; replaces alanine 2182 with threonine.
Molecular consequence: missense variant.
Genome position (GRCh38, 1-based): chr17:16,047,086, C>T on the plus strand (G>A on the coding strand, the complement: NCOR1 is on the minus strand). VCF-style: chr17-16047086-C-T. GRCh37 (hg19) VCF-style: chr17-15950400-C-T.
Other names: c.6235G>A, p.Ala2079Thr (NM_001190440.2); short protein forms A2079T, A2182T.
Identifiers: ClinVar variation 771023 (VCV000771023.24), dbSNP rs61753149, ClinGen allele CA8407997.